The following is an entry in ClinVar:

NM_002439.5(MSH3):c.1430C>T (p.Ala477Val)

Gene: MSH3 (mutS homolog 3; plus strand). Cytogenetic location: 5q14.1.
Variant type: single nucleotide variant.
Coding change: c.1430C>T on transcript NM_002439.5 (MANE Select); coding-DNA position 1430, C replaced by T.
Protein change: p.Ala477Val; replaces alanine 477 with valine.
Molecular consequence: missense variant.
Genome position (GRCh38, 1-based): chr5:80,725,542, C>T. VCF-style: chr5-80725542-C-T. GRCh37 (hg19) VCF-style: chr5-80021361-C-T.
Other names: short protein forms A477V.
Identifiers: ClinVar variation 647778 (VCV000647778.12), dbSNP rs534548594, ClinGen allele CA3327905.
Genomic context (GRCh38, chr5:80,725,542, plus strand): 5'-GGATGGATAACATTTATTTTGAATACAGCCATGCTTTCCAGGCAGTTACAGAGTTTTATG[C>T]AAAAGATACAGTTGACATCAAAGGTAAATATTTTCCCTGTATGTCCTCAAGTTGAACTGA-3'
Protein context (NP_002430.3, residues 467-487): HAFQAVTEFY[Ala477Val]KDTVDIKGSQ

ClinVar aggregate classification (germline): Uncertain significance. Review status: criteria provided, multiple submitters, no conflicts (2 of 4 stars). 2 submissions from 2 submitters: Uncertain significance (2). Last evaluated 2026-01-31.

Conditions:
Hereditary cancer-predisposing syndrome. Also called: Hereditary Cancer Syndrome; Tumor predisposition; Hereditary neoplastic syndrome; Neoplastic Syndromes, Hereditary. Identifiers: Orphanet 140162, MedGen C0027672, MeSH D009386, MONDO:0015356.

Allele frequency attached by ClinVar (database versions not stated): ExAC 0.00001; gnomAD 0.00001; gnomAD exomes 0.00001; TOPMed 0.00001.
gnomAD v4.1: 6 of 1,612,660 alleles (0.00037%); highest among the groups gnomAD compares: East Asian, 0.011%; no homozygotes.

Submissions (2):

Labcorp Genetics (formerly Invitae), Labcorp
Classification: Uncertain significance. Last evaluated: 2026-01-31. Review status: criteria provided, single submitter. Criteria: Invitae Variant Classification Sherloc (09022015). Collection method: clinical testing. Allele origin: germline.
Comment: This sequence change replaces alanine, which is neutral and non-polar, with valine, which is neutral and non-polar, at codon 477 of the MSH3 protein (p.Ala477Val). This variant is present in population databases (rs534548594, gnomAD 0.006%). This variant has not been reported in the literature in individuals affected with MSH3-related conditions. ClinVar contains an entry for this variant (Variation ID: 647778). An algorithm developed to predict the effect of missense changes on protein structure and function outputs the following: PolyPhen-2: "Benign". The valine amino acid residue is found in multiple mammalian species, which suggests that this missense change does not adversely affect protein function. In summary, the available evidence is currently insufficient to determine the role of this variant in disease. Therefore, it has been classified as a Variant of Uncertain Significance.

Ambry Genetics
Classification: Uncertain significance for Hereditary cancer-predisposing syndrome. Last evaluated: 2023-12-07. Review status: criteria provided, single submitter. Criteria: Ambry Variant Classification Scheme 2023. Collection method: clinical testing. Allele origin: germline.
Comment: The p.A477V variant (also known as c.1430C>T), located in coding exon 9 of the MSH3 gene, results from a C to T substitution at nucleotide position 1430. The alanine at codon 477 is replaced by valine, an amino acid with similar properties. This amino acid position is conserved. In addition, this alteration is predicted to be tolerated by in silico analysis. Since supporting evidence is limited at this time, the clinical significance of this alteration remains unclear.